The following is an entry in ClinVar:

NM_004260.4(RECQL4):c.76C>T (p.Pro26Ser)

Genes: RECQL4 (RecQ like helicase 4; minus strand), LOC130001411 (ATAC-STARR-seq lymphoblastoid silent region 19699; plus strand). Cytogenetic location: 8q24.3.
Variant type: single nucleotide variant.
Coding change: c.76C>T on transcript NM_004260.4 (MANE Select); coding-DNA position 76, C replaced by T.
Protein change: p.Pro26Ser; replaces proline 26 with serine.
Molecular consequence: missense variant.
Genome position (GRCh38, 1-based): chr8:144,517,709, G>A on the plus strand (C>T on the coding strand, the complement: RECQL4 is on the minus strand). VCF-style: chr8-144517709-G-A. GRCh37 (hg19) VCF-style: chr8-145743093-G-A.
Other names: c.-786C>T (NM_001413028.1); c.76C>T, p.Pro26Ser (NM_001413029.1, NM_001413033.1, NM_001413036.1 and 6 more transcripts); c.-1123C>T (NM_001413030.1, NM_001413031.1, NM_001413041.1); c.-955C>T (NM_001413032.1); c.-965C>T (NM_001413034.1); c.-893C>T (NM_001413035.1); c.-1061C>T (NM_001413037.1, NM_001413038.1, NM_001413022.1 and 2 more transcripts); c.-710C>T (NM_001413021.1); and 4 more; short protein forms P26S.
Identifiers: ClinVar variation 2080462 (VCV002080462.4), dbSNP rs2130745257, ClinGen allele CA372693649.

ClinVar aggregate classification (germline): Uncertain significance (1 of 4 stars; one submission).

Conditions:
Baller-Gerold syndrome (BGS). Also called: CRANIOSYNOSTOSIS WITH RADIAL DEFECTS. Identifiers: Orphanet 1225, MedGen C0265308, MONDO:0009039, OMIM 218600.

gnomAD v4.1: 1 of 1,367,510 alleles (0.000073%); highest among the groups gnomAD compares: Non-Finnish European, 0.000094%; no homozygotes.

Submission:

Labcorp Genetics (formerly Invitae), Labcorp
Classification: Uncertain significance for Baller-Gerold syndrome. Last evaluated: 2022-01-11. Review status: criteria provided, single submitter. Criteria: Invitae Variant Classification Sherloc (09022015). Collection method: clinical testing. Allele origin: germline.
Comment: This variant is not present in population databases (gnomAD no frequency). This sequence change replaces proline, which is neutral and non-polar, with serine, which is neutral and polar, at codon 26 of the RECQL4 protein (p.Pro26Ser). This variant has not been reported in the literature in individuals affected with RECQL4-related conditions. Experimental studies and prediction algorithms are not available or were not evaluated, and the functional significance of this variant is currently unknown. In summary, the available evidence is currently insufficient to determine the role of this variant in disease. Therefore, it has been classified as a Variant of Uncertain Significance.